The following is an entry in ClinVar:

NM_001363711.2(DUOX2):c.3042G>A (p.Ala1014=)

Gene: DUOX2 (dual oxidase 2; minus strand). Cytogenetic location: 15q21.1.
Variant type: single nucleotide variant.
Coding change: c.3042G>A on transcript NM_001363711.2 (MANE Select); coding-DNA position 3042, G replaced by A.
Protein change: p.Ala1014=; no amino-acid change (alanine 1014 retained).
Molecular consequence: synonymous variant.
Genome position (GRCh38, 1-based): chr15:45,100,192, C>T on the plus strand (G>A on the coding strand, the complement: DUOX2 is on the minus strand). VCF-style: chr15-45100192-C-T. GRCh37 (hg19) VCF-style: chr15-45392390-C-T.
Other names: c.3042G>A, p.Ala1014= (NM_014080.5).
Identifiers: ClinVar variation 790693 (VCV000790693.15), dbSNP rs112598817, ClinGen allele CA7538031.

ClinVar aggregate classification (germline): Benign/Likely benign. Review status: criteria provided, multiple submitters, no conflicts (2 of 4 stars). 3 submissions from 3 submitters: Benign (1); Likely benign (2). Last evaluated 2026-02-02.

Conditions:
Thyroid dyshormonogenesis 6 (TDH6). Also called: Genetic transient congenital hypothyroidism; THYROID HORMONOGENESIS, GENETIC DEFECT IN, 6; HYPOTHYROIDISM, CONGENITAL, DUE TO DYSHORMONOGENESIS, 6. Identifiers: Orphanet 226316, Orphanet 95716, MedGen C1846632, MONDO:0011792, OMIM 607200.

Allele frequency attached by ClinVar (database versions not stated): ESP Exome Variant Server 0.00339; gnomAD 0.00449 and 0.00475; TOPMed 0.00567; 1000 Genomes Project 0.00759; 1000 Genomes Project 30x 0.00874.
gnomAD v4.1: 5,096 of 1,614,046 alleles (0.32%); highest among the groups gnomAD compares: Admixed American, 2.5%; 53 homozygotes.

Submissions (3):

Labcorp Genetics (formerly Invitae), Labcorp
Classification: Benign. Last evaluated: 2026-02-02. Review status: criteria provided, single submitter. Criteria: Invitae Variant Classification Sherloc (09022015). Collection method: clinical testing. Allele origin: germline.

Illumina Laboratory Services, Illumina
Classification: Likely benign for Thyroid dyshormonogenesis 6. Last evaluated: 2018-01-13. Review status: criteria provided, single submitter. Criteria: ICSL Variant Classification Criteria 13 December 2019. Collection method: clinical testing. Allele origin: germline.
Comment: This variant was observed in the ICSL laboratory as part of a predisposition screen in an ostensibly healthy population. It had not been previously curated by ICSL or reported in the Human Gene Mutation Database (HGMD: prior to June 1st, 2018), and was therefore a candidate for classification through an automated scoring system. Utilizing variant allele frequency, disease prevalence and penetrance estimates, and inheritance mode, an automated score was calculated to assess if this variant is too frequent to cause the disease. Based on the score and internal cut-off values, a variant classified as likely benign is not then subjected to further curation. The score for this variant resulted in a classification of likely benign for this disease.

Breakthrough Genomics
Classification: Likely benign. Review status: criteria provided, single submitter. Criteria: ACMG Guidelines, 2015. Collection method: not provided. Allele origin: germline. Inheritance: Autosomal recessive inheritance. Affected: yes.